The following is an entry in ClinVar:

ClinVar aggregate classification (germline): Conflicting classifications of pathogenicity. Review status: criteria provided, conflicting classifications (1 of 4 stars). 2 submissions from 2 submitters: Uncertain significance (1); Likely benign (1). Last evaluated 2025-11-28.

Conditions:
Inborn genetic diseases. Identifiers: MedGen C0950123, MeSH D030342.
Deafness-lymphedema-leukemia syndrome. Also called: Lymphedema, primary, with myelodysplasia; Emberger syndrome. Identifiers: Orphanet 3226, MedGen C3279664, MONDO:0013540, OMIM 614038.
Monocytopenia with susceptibility to infections. Also called: MONOCYTOPENIA AND MYCOBACTERIAL INFECTION SYNDROME; MONOCYTOPENIA WITH SUSCEPTIBILITY TO MYCOBACTERIAL, FUNGAL, AND PAPILLOMAVIRUS INFECTIONS AND MYELODYSPLASIA; COMBINED IMMUNODEFICIENCY WITH SUSCEPTIBILITY TO MYCOBACTERIAL, VIRAL, AND FUNGAL INFECTIONS; Dendritic cell, monocyte, B lymphocyte, and natural killer lymphocyte deficiency; IMMUNODEFICIENCY 21; GATA2 DEFICIENCY. Identifiers: Orphanet 228423, MedGen C3280030, MONDO:0013607, OMIM 614172.

Allele frequency attached by ClinVar (database versions not stated): TOPMed 0.00001.
gnomAD v4.1: 4 of 1,613,934 alleles (0.00025%); highest among the groups gnomAD compares: Admixed American, 0.0067%; no homozygotes.

Submissions (2):

Labcorp Genetics (formerly Invitae), Labcorp
Classification: Uncertain significance for Monocytopenia with susceptibility to infections; Deafness-lymphedema-leukemia syndrome. Last evaluated: 2025-11-28. Review status: criteria provided, single submitter. Criteria: Invitae Variant Classification Sherloc (09022015). Collection method: clinical testing. Allele origin: germline.
Comment: This sequence change replaces methionine, which is neutral and non-polar, with leucine, which is neutral and non-polar, at codon 236 of the GATA2 protein (p.Met236Leu). This variant is present in population databases (rs746737860, gnomAD 0.009%). This variant has not been reported in the literature in individuals affected with GATA2-related conditions. ClinVar contains an entry for this variant (Variation ID: 647024). Invitae Evidence Modeling of protein sequence and biophysical properties (such as structural, functional, and spatial information, amino acid conservation, physicochemical variation, residue mobility, and thermodynamic stability) indicates that this missense variant is not expected to disrupt GATA2 protein function with a negative predictive value of 95%. In summary, the available evidence is currently insufficient to determine the role of this variant in disease. Therefore, it has been classified as a Variant of Uncertain Significance.

Ambry Genetics
Classification: Likely benign for Inborn genetic diseases. Last evaluated: 2024-06-26. Review status: criteria provided, single submitter. Criteria: Ambry Variant Classification Scheme 2023. Collection method: clinical testing. Allele origin: germline.

NM_032638.5(GATA2):c.706A>C (p.Met236Leu)

Gene: GATA2 (GATA binding protein 2; minus strand). Cytogenetic location: 3q21.3.
Variant type: single nucleotide variant.
Coding change: c.706A>C on transcript NM_032638.5 (MANE Select); coding-DNA position 706, A replaced by C.
Protein change: p.Met236Leu; replaces methionine 236 with leucine.
Molecular consequence: missense variant.
Genome position (GRCh38, 1-based): chr3:128,485,892, T>G on the plus strand (A>C on the coding strand, the complement: GATA2 is on the minus strand). VCF-style: chr3-128485892-T-G. GRCh37 (hg19) VCF-style: chr3-128204735-T-G.
Other names: c.706A>C, p.Met236Leu (NM_001145661.2, NM_001145662.1); short protein forms M236L.
Identifiers: ClinVar variation 647024 (VCV000647024.6), dbSNP rs746737860, ClinGen allele CA2599974.